The following is an entry in ClinVar:

ClinVar aggregate classification (germline): Uncertain significance (1 of 4 stars; one submission).

Submission:

GeneDx
Classification: Uncertain significance. Last evaluated: 2025-06-13. Review status: criteria provided, single submitter. Criteria: GeneDx Variant Classification Process June 2021. Collection method: clinical testing. Allele origin: germline. Affected: yes.
Comment: Not observed at significant frequency in large population cohorts (gnomAD); In silico analysis supports that this missense variant has a deleterious effect on protein structure/function; Has not been previously published as pathogenic or benign to our knowledge

NM_001005273.3(CHD3):c.3059A>G (p.Asn1020Ser)

Gene: CHD3 (chromodomain helicase DNA binding protein 3; plus strand). Cytogenetic location: 17p13.1.
Variant type: single nucleotide variant.
Coding change: c.3059A>G on transcript NM_001005273.3 (MANE Select); coding-DNA position 3059, A replaced by G.
Protein change: p.Asn1020Ser; replaces asparagine 1020 with serine.
Molecular consequence: missense variant.
Genome position (GRCh38, 1-based): chr17:7,900,932, A>G. VCF-style: chr17-7900932-A-G. GRCh37 (hg19) VCF-style: chr17-7804250-A-G.
Other names: c.3236A>G, p.Asn1079Ser (NM_001005271.3, NM_001437504.1); c.3224A>G, p.Asn1075Ser (NM_001437507.1, NM_001437508.1, NM_001437509.1); c.3059A>G, p.Asn1020Ser (NM_005852.4); short protein forms N1020S, N1075S, N1079S.
Identifiers: ClinVar variation 4537792 (VCV004537792.1).